The following is an entry in ClinVar:

ClinVar aggregate classification (germline): Uncertain significance (1 of 4 stars; one submission).

Conditions:
MHC class II deficiency. Also called: Bare lymphocyte syndrome 2; BLS, TYPE II. Identifiers: Orphanet 572, MedGen C5447452, MONDO:0008855.

Allele frequency attached by ClinVar (database versions not stated): gnomAD 0.00001; TOPMed 0.00001; gnomAD exomes 0.00002; ExAC 0.00004; ESP Exome Variant Server 0.00008.
gnomAD v4.1: 37 of 1,613,196 alleles (0.0023%); highest among the groups gnomAD compares: South Asian, 0.022%; no homozygotes.

Submission:

Labcorp Genetics (formerly Invitae), Labcorp
Classification: Uncertain significance for MHC class II deficiency. Last evaluated: 2023-12-28. Review status: criteria provided, single submitter. Criteria: Invitae Variant Classification Sherloc (09022015). Collection method: clinical testing. Allele origin: germline.
Comment: This sequence change replaces arginine, which is basic and polar, with histidine, which is basic and polar, at codon 338 of the RFX5 protein (p.Arg338His). This variant is present in population databases (rs370830817, gnomAD 0.04%). This variant has not been reported in the literature in individuals affected with RFX5-related conditions. ClinVar contains an entry for this variant (Variation ID: 2154274). An algorithm developed to predict the effect of missense changes on protein structure and function (PolyPhen-2) suggests that this variant¬†is likely to be tolerated. In summary, the available evidence is currently insufficient to determine the role of this variant in disease. Therefore, it has been classified as a Variant of Uncertain Significance.

NM_001025603.2(RFX5):c.1013G>A (p.Arg338His)

Gene: RFX5 (regulatory factor X5; minus strand). Cytogenetic location: 1q21.3.
Variant type: single nucleotide variant.
Coding change: c.1013G>A on transcript NM_001025603.2 (MANE Select); coding-DNA position 1013, G replaced by A.
Protein change: p.Arg338His; replaces arginine 338 with histidine.
Molecular consequence: missense variant.
Genome position (GRCh38, 1-based): chr1:151,343,024, C>T on the plus strand (G>A on the coding strand, the complement: RFX5 is on the minus strand). VCF-style: chr1-151343024-C-T. GRCh37 (hg19) VCF-style: chr1-151315500-C-T.
Other names: c.1013G>A, p.Arg338His (NM_000449.4, NM_001379412.1, NM_001379413.1 and 5 more transcripts); c.893G>A, p.Arg298His (NM_001379419.1, NM_001379420.1); short protein forms R298H, R338H.
Identifiers: ClinVar variation 2154274 (VCV002154274.2), dbSNP rs370830817, ClinGen allele CA1089683.
Genomic context (GRCh38, chr1:151,343,024, plus strand): 5'-CCTGAAGAAAGCCTGGGGGCCAGAATAGGTGGAGAGACTGGGATTGGCGGAATTAGTGAG[C>T]GAGGGGCCCGGGGAAGGAGCAGAGGCAGCCGAGCCACTAGGGCATTAACCTGCAGGTTAT-3'
Protein context (NP_001020774.1, residues 328-348): RLPLLLPRAP[Arg338His]SLIPPIPVSP